The following is an entry in ClinVar:

ClinVar aggregate classification (germline): Uncertain significance (1 of 4 stars; one submission).

Conditions:
Distal hereditary motor neuropathy type 2. Identifiers: Orphanet 139525, MedGen C3711384, MeSH C580044, MONDO:0015352.

Submission:

Labcorp Genetics (formerly Invitae), Labcorp
Classification: Uncertain significance for Distal hereditary motor neuropathy type 2. Last evaluated: 2022-04-11. Review status: criteria provided, single submitter. Criteria: Invitae Variant Classification Sherloc (09022015). Collection method: clinical testing. Allele origin: germline.
Comment: Algorithms developed to predict the effect of sequence changes on RNA splicing suggest that this variant may disrupt the consensus splice site. In summary, the available evidence is currently insufficient to determine the role of this variant in disease. Therefore, it has been classified as a Variant of Uncertain Significance. This variant has not been reported in the literature in individuals affected with FBXO38-related conditions. This variant is not present in population databases (gnomAD no frequency). This sequence change affects codon 366 of the FBXO38 mRNA. It is a 'silent' change, meaning that it does not change the encoded amino acid sequence of the FBXO38 protein.

NM_205836.3(FBXO38):c.1096A>C (p.Arg366=)

Gene: FBXO38 (F-box protein 38; plus strand). Cytogenetic location: 5q32.
Variant type: single nucleotide variant.
Coding change: c.1096A>C on transcript NM_205836.3 (MANE Select); coding-DNA position 1096, A replaced by C.
Protein change: p.Arg366=; no amino-acid change (arginine 366 retained).
Molecular consequence: synonymous variant.
Genome position (GRCh38, 1-based): chr5:148,414,138, A>C. VCF-style: chr5-148414138-A-C. GRCh37 (hg19) VCF-style: chr5-147793701-A-C.
Other names: c.1096A>C, p.Arg366= (NM_001271723.2, NM_030793.5).
Identifiers: ClinVar variation 2073582 (VCV002073582.4), dbSNP rs2531754815, ClinGen allele CA446937753.